The following is an entry in ClinVar:

ClinVar aggregate classification (germline): Likely benign (1 of 4 stars; one submission).

Conditions:
Leigh syndrome (NULS). Also called: Leigh's necrotizing encephalopathy; Leigh's disease; Leigh Syndrome (mtDNA deletion); Leigh Disease; Subacute necrotizing encephalopathy; Necrotizing encephalopathy infantile subacute of Leigh. Identifiers: Orphanet 506, MedGen C2931891, MONDO:0009723, OMIM 256000.

Submission:

Wong Mito Lab, Molecular and Human Genetics, Baylor College of Medicine
Classification: Likely benign for Leigh syndrome. Last evaluated: 2019-10-17. Review status: criteria provided, single submitter. Criteria: Modified ACMG Guidelines (Unpublished). Collection method: clinical testing. Allele origin: germline.
Comment: The NC_012920.1:m.13466G>A (YP_003024036.1:p.Ser377Asn) variant in MTND5 gene is interpretated to be a Likely Benign variant based on the modified ACMG guidelines (unpublished). This variant meets the following evidence codes: BS4, BP4

NC_012920.1(MT-ND5):m.13466G>A

Gene: MT-ND5 (mitochondrially encoded NADH dehydrogenase 5; plus strand).
Variant type: single nucleotide variant.
Genome position: chrM-13466-G-A.
Identifiers: ClinVar variation 693557 (VCV000693557.1), dbSNP rs3902404, ClinGen allele CA337099693.
Genomic context (GRCh38, chrMT:13,466, plus strand): 5'-GAAAAATAGGAGGACTACTCAAAACCATACCTCTCACTTCAACCTCCCTCACCATTGGCA[G>A]CCTAGCATTAGCAGGAATACCTTTCCTCACAGGTTTCTACTCCAAAGACCACATCATCGA-3'